The following is an entry in ClinVar:

ClinVar aggregate classification (germline): Uncertain significance (1 of 4 stars; one submission).

Submission:

GeneDx
Classification: Uncertain significance. Last evaluated: 2024-09-30. Review status: criteria provided, single submitter. Criteria: GeneDx Variant Classification Process June 2021. Collection method: clinical testing. Allele origin: germline. Affected: yes.
Comment: Not observed at significant frequency in large population cohorts (gnomAD); In silico analysis supports that this missense variant has a deleterious effect on protein structure/function; Has not been previously published as pathogenic or benign to our knowledge

NM_001348323.3(TRIP12):c.2926G>A (p.Gly976Arg)

Gene: TRIP12 (thyroid hormone receptor interactor 12; minus strand). Cytogenetic location: 2q36.3.
Variant type: single nucleotide variant.
Coding change: c.2926G>A on transcript NM_001348323.3 (MANE Select); coding-DNA position 2926, G replaced by A.
Protein change: p.Gly976Arg; replaces glycine 976 with arginine.
Molecular consequence: missense variant.
Genome position (GRCh38, 1-based): chr2:229,803,643, C>T on the plus strand (G>A on the coding strand, the complement: TRIP12 is on the minus strand). VCF-style: chr2-229803643-C-T. GRCh37 (hg19) VCF-style: chr2-230668359-C-T.
Other names: c.2845G>A, p.Gly949Arg (NM_001284214.2, NM_001348315.2); c.2800G>A, p.Gly934Arg (NM_001284215.2, NM_001348316.2, NM_001348317.1 and 1 more transcripts); c.1891G>A, p.Gly631Arg (NM_001284216.2); c.2929G>A, p.Gly977Arg (NM_001348321.1, NM_001348328.1, NM_001348329.2 and 1 more transcripts); c.2926G>A, p.Gly976Arg (NM_001348322.1, NM_001348324.2, NM_001348325.2 and 4 more transcripts); c.2719G>A, p.Gly907Arg (NM_001348331.1); c.2839G>A, p.Gly947Arg (NM_001348332.1); c.2848G>A, p.Gly950Arg (NM_001348333.1); and 1 more; short protein forms G631R, G901R, G907R, G934R, G947R, G949R, G950R, G976R.
Identifiers: ClinVar variation 3774883 (VCV003774883.1).